The following is an entry in ClinVar:

ClinVar aggregate classification (germline): Uncertain significance. Review status: criteria provided, multiple submitters, no conflicts (2 of 4 stars). 2 submissions from 2 submitters: Uncertain significance (2). Last evaluated 2025-08-02.

gnomAD v4.1: 17 of 1,613,976 alleles (0.0011%); highest among the groups gnomAD compares: East Asian, 0.0089%; no homozygotes.

Submissions (2):

Labcorp Genetics (formerly Invitae), Labcorp
Classification: Uncertain significance. Last evaluated: 2025-08-02. Review status: criteria provided, single submitter. Criteria: Invitae Variant Classification Sherloc (09022015). Collection method: clinical testing. Allele origin: germline.
Comment: This sequence change replaces arginine, which is basic and polar, with glutamine, which is neutral and polar, at codon 1345 of the ITPR1 protein (p.Arg1345Gln). This variant is present in population databases (no rsID available, gnomAD 0.006%). This variant has not been reported in the literature in individuals affected with ITPR1-related conditions. ClinVar contains an entry for this variant (Variation ID: 1801040). Invitae Evidence Modeling of protein sequence and biophysical properties (such as structural, functional, and spatial information, amino acid conservation, physicochemical variation, residue mobility, and thermodynamic stability) indicates that this missense variant is not expected to disrupt ITPR1 protein function with a negative predictive value of 95%. In summary, the available evidence is currently insufficient to determine the role of this variant in disease. Therefore, it has been classified as a Variant of Uncertain Significance.

GeneDx
Classification: Uncertain significance. Last evaluated: 2022-05-23. Review status: criteria provided, single submitter. Criteria: GeneDx Variant Classification Process June 2021. Collection method: clinical testing. Allele origin: germline. Affected: yes.
Comment: In silico analysis supports that this missense variant does not alter protein structure/function; Reported in two unrelated individuals with ataxia in published literature (Coutelier et al., 2017); This variant is associated with the following publications: (PMID: 28444220)

NM_001378452.1(ITPR1):c.4106G>A (p.Arg1369Gln)

Gene: ITPR1 (inositol 1,4,5-trisphosphate receptor type 1; plus strand). Cytogenetic location: 3p26.1.
Variant type: single nucleotide variant.
Coding change: c.4106G>A on transcript NM_001378452.1 (MANE Select); coding-DNA position 4106, G replaced by A.
Protein change: p.Arg1369Gln; replaces arginine 1369 with glutamine.
Molecular consequence: missense variant.
Genome position (GRCh38, 1-based): chr3:4,693,566, G>A. VCF-style: chr3-4693566-G-A. GRCh37 (hg19) VCF-style: chr3-4735250-G-A.
Other names: c.4079G>A, p.Arg1360Gln (NM_001099952.4); c.4061G>A, p.Arg1354Gln (NM_001168272.2); c.4034G>A, p.Arg1345Gln (NM_002222.7); short protein forms R1345Q, R1354Q, R1360Q, R1369Q.
Identifiers: ClinVar variation 1801040 (VCV001801040.2), dbSNP rs1461379244, ClinGen allele CA351631540.